The following is an entry in ClinVar:

ClinVar aggregate classification (germline): Uncertain significance. Review status: criteria provided, single submitter (1 of 4 stars). 2 submissions from 2 submitters: Uncertain significance (1). 1 of the submissions does not count toward it. Last evaluated 2023-12-14.

Conditions:
F8-related disorder. Also called: F8-related condition.
Inborn genetic diseases. Identifiers: MedGen C0950123, MeSH D030342.

Allele frequency attached by ClinVar (database versions not stated): TOPMed 0.00001; gnomAD 0.00002; gnomAD exomes 0.00003.
gnomAD v4.1: 35 of 1,209,440 alleles (0.0029%); highest among the groups gnomAD compares: Non-Finnish European, 0.0034%; no homozygotes.

Submissions (2):

Ambry Genetics
Classification: Uncertain significance for Inborn genetic diseases. Last evaluated: 2023-12-14. Review status: criteria provided, single submitter. Criteria: Ambry Variant Classification Scheme 2023. Collection method: clinical testing. Allele origin: germline.

PreventionGenetics, part of Exact Sciences
Classification: Uncertain significance for F8-related condition. Last evaluated: 2024-03-04. Review status: no assertion criteria provided. Collection method: clinical testing. Allele origin: germline. Not counted in ClinVar's aggregate classification.
Comment: The F8 c.2521C>T variant is predicted to result in the amino acid substitution p.Pro841Ser. To our knowledge, this variant has not been reported in the literature. This variant is reported in 0.0037% of alleles in individuals of European (Non-Finnish) descent in gnomAD. At this time, the clinical significance of this variant is uncertain due to the absence of conclusive functional and genetic evidence.

NM_000132.4(F8):c.2521C>T (p.Pro841Ser)

Gene: F8 (coagulation factor VIII; minus strand). Cytogenetic location: Xq28.
Variant type: single nucleotide variant.
Coding change: c.2521C>T on transcript NM_000132.4 (MANE Select); coding-DNA position 2521, C replaced by T.
Protein change: p.Pro841Ser; replaces proline 841 with serine.
Molecular consequence: missense variant.
Genome position (GRCh38, 1-based): chrX:154,931,269, G>A on the plus strand (C>T on the coding strand, the complement: F8 is on the minus strand). VCF-style: chrX-154931269-G-A. GRCh37 (hg19) VCF-style: chrX-154159544-G-A.
Other names: short protein forms P841S.
Identifiers: ClinVar variation 3091488 (VCV003091488.2), dbSNP rs1316149441, ClinGen allele CA414901519.
Genomic context (GRCh38, chrX:154,931,269, plus strand): 5'-GGAGCTGTGGCCTGAAGTGTGTCATTTCAGACAGGCTGTTATTACTGTCTATTGCTCCAG[G>A]TGATGGATCATCAGAAAAAGTCTCATATTTGGCTTCTTGGAGATCAGATAAGGATAGCCC-3'
Protein context (NP_000123.1, residues 831-851): KYETFSDDPS[Pro841Ser]GAIDSNNSLS